The following is an entry in ClinVar:

ClinVar aggregate classification (germline): Uncertain significance (1 of 4 stars; one submission).

Conditions:
Inborn genetic diseases. Identifiers: MedGen C0950123, MeSH D030342.

Submission:

Ambry Genetics
Classification: Uncertain significance for Inborn genetic diseases. Last evaluated: 2024-12-20. Review status: criteria provided, single submitter. Criteria: Ambry Variant Classification Scheme 2023. Collection method: clinical testing. Allele origin: germline.
Comment: The p.V364G variant (also known as c.1091T>G), located in coding exon 8 of the BMPR2 gene, results from a T to G substitution at nucleotide position 1091. The valine at codon 364 is replaced by glycine, an amino acid with dissimilar properties. This amino acid position is conserved. In addition, the in silico prediction for this alteration is inconclusive. Based on the available evidence, the clinical significance of this variant remains unclear.

NM_001204.7(BMPR2):c.1091T>G (p.Val364Gly)

Gene: BMPR2 (bone morphogenetic protein receptor type 2; plus strand). Cytogenetic location: 2q33.2.
Variant type: single nucleotide variant.
Coding change: c.1091T>G on transcript NM_001204.7 (MANE Select); coding-DNA position 1091, T replaced by G.
Protein change: p.Val364Gly; replaces valine 364 with glycine.
Molecular consequence: missense variant.
Genome position (GRCh38, 1-based): chr2:202,530,917, T>G. VCF-style: chr2-202530917-T-G. GRCh37 (hg19) VCF-style: chr2-203395640-T-G.
Other names: short protein forms V364G.
Identifiers: ClinVar variation 3824761 (VCV003824761.1).